The following is an entry in ClinVar:

NM_003737.4(DCHS1):c.3064G>A (p.Val1022Met)

Gene: DCHS1 (dachsous cadherin-related 1; minus strand). Cytogenetic location: 11p15.4.
Variant type: single nucleotide variant.
Coding change: c.3064G>A on transcript NM_003737.4 (MANE Select); coding-DNA position 3064, G replaced by A.
Protein change: p.Val1022Met; replaces valine 1022 with methionine.
Molecular consequence: missense variant.
Genome position (GRCh38, 1-based): chr11:6,632,448, C>T on the plus strand (G>A on the coding strand, the complement: DCHS1 is on the minus strand). VCF-style: chr11-6632448-C-T. GRCh37 (hg19) VCF-style: chr11-6653679-C-T.
Other names: short protein forms V1022M.
Identifiers: ClinVar variation 3663603 (VCV003663603.2).

ClinVar aggregate classification (germline): Uncertain significance (1 of 4 stars; one submission).

gnomAD v4.1: 2 of 1,600,542 alleles (0.00012%); highest among the groups gnomAD compares: Non-Finnish European, 0.000085%; no homozygotes.

Submission:

Labcorp Genetics (formerly Invitae), Labcorp
Classification: Uncertain significance. Last evaluated: 2024-11-06. Review status: criteria provided, single submitter. Criteria: Invitae Variant Classification Sherloc (09022015). Collection method: clinical testing. Allele origin: germline.
Comment: This sequence change replaces valine, which is neutral and non-polar, with methionine, which is neutral and non-polar, at codon 1022 of the DCHS1 protein (p.Val1022Met). This variant is not present in population databases (gnomAD no frequency). This variant has not been reported in the literature in individuals affected with DCHS1-related conditions. Invitae Evidence Modeling of protein sequence and biophysical properties (such as structural, functional, and spatial information, amino acid conservation, physicochemical variation, residue mobility, and thermodynamic stability) indicates that this missense variant is not expected to disrupt DCHS1 protein function with a negative predictive value of 80%. In summary, the available evidence is currently insufficient to determine the role of this variant in disease. Therefore, it has been classified as a Variant of Uncertain Significance.